The following is an entry in ClinVar:

ClinVar aggregate classification (germline): Uncertain significance. Review status: criteria provided, multiple submitters, no conflicts (2 of 4 stars). 3 submissions from 3 submitters: Uncertain significance (3). Last evaluated 2026-07-21.

Conditions:
Congenital contractural arachnodactyly (CCA). Also called: BEALS SYNDROME; Arthrogryposis, distal, type 9; Beals-Hecht syndrome. Identifiers: Orphanet 115, MedGen C0220668, MONDO:0007363, OMIM 121050.

Allele frequency attached by ClinVar (database versions not stated): TOPMed 0.00002.

Submissions (3):

MVZ Medizinische Genetik Mainz
Classification: Uncertain significance for Congenital contractural arachnodactyly. Last evaluated: 2026-07-21. Review status: criteria provided, single submitter. Criteria: UK Practice Guidelines For Variant Classification V4 01 2020. Collection method: clinical testing. Allele origin: germline. Inheritance: Autosomal dominant inheritance. Affected: yes. Observed: 1 variant allele.
Comment: ACMG Criteria: PP3_MOD,PM2_SUP,PM5_SUP

Women's Health and Genetics/Laboratory Corporation of America, LabCorp
Classification: Uncertain significance. Last evaluated: 2026-04-03. Review status: criteria provided, single submitter. Criteria: LabCorp Variant Classification Summary - May 2015. Collection method: clinical testing. Allele origin: germline.

Labcorp Genetics (formerly Invitae), Labcorp
Classification: Uncertain significance for Congenital contractural arachnodactyly. Last evaluated: 2025-08-24. Review status: criteria provided, single submitter. Criteria: Invitae Variant Classification Sherloc (09022015). Collection method: clinical testing. Allele origin: germline.
Comment: This sequence change replaces glycine, which is neutral and non-polar, with aspartic acid, which is acidic and polar, at codon 1172 of the FBN2 protein (p.Gly1172Asp). This variant is not present in population databases (gnomAD no frequency). This variant has not been reported in the literature in individuals affected with FBN2-related conditions. ClinVar contains an entry for this variant (Variation ID: 411815). Invitae Evidence Modeling of protein sequence and biophysical properties (such as structural, functional, and spatial information, amino acid conservation, physicochemical variation, residue mobility, and thermodynamic stability) indicates that this missense variant is expected to disrupt FBN2 protein function with a positive predictive value of 80%. In summary, the available evidence is currently insufficient to determine the role of this variant in disease. Therefore, it has been classified as a Variant of Uncertain Significance.

NM_001999.4(FBN2):c.3515G>A (p.Gly1172Asp)

Gene: FBN2 (fibrillin 2; minus strand). Cytogenetic location: 5q23.3.
Variant type: single nucleotide variant.
Coding change: c.3515G>A on transcript NM_001999.4 (MANE Select); coding-DNA position 3515, G replaced by A.
Protein change: p.Gly1172Asp; replaces glycine 1172 with aspartic acid.
Molecular consequence: missense variant.
Genome position (GRCh38, 1-based): chr5:128,338,080, C>T on the plus strand (G>A on the coding strand, the complement: FBN2 is on the minus strand). VCF-style: chr5-128338080-C-T. GRCh37 (hg19) VCF-style: chr5-127673772-C-T.
Other names: short protein forms G1172D.
Identifiers: ClinVar variation 411815 (VCV000411815.11), dbSNP rs931046977, ClinGen allele CA16611897.